The following is an entry in ClinVar:

NM_001384732.1(CPLANE1):c.5299T>C (p.Ser1767Pro)

Gene: CPLANE1 (ciliogenesis and planar polarity effector complex subunit 1; minus strand). Cytogenetic location: 5p13.2.
Variant type: single nucleotide variant.
Coding change: c.5299T>C on transcript NM_001384732.1 (MANE Select); coding-DNA position 5299, T replaced by C.
Protein change: p.Ser1767Pro; replaces serine 1767 with proline.
Molecular consequence: missense variant.
Genome position (GRCh38, 1-based): chr5:37,182,882, A>G on the plus strand (T>C on the coding strand, the complement: CPLANE1 is on the minus strand). VCF-style: chr5-37182882-A-G. GRCh37 (hg19) VCF-style: chr5-37182984-A-G.
Other names: c.5299T>C, p.Ser1767Pro (NM_023073.4); short protein forms S1767P.
Identifiers: ClinVar variation 1503038 (VCV001503038.4), dbSNP rs1783059979, ClinGen allele CA359491734.
Genomic context (GRCh38, chr5:37,182,882, plus strand): 5'-ATGTAAGAATGGCAGCTGTAGAGGTCTTTACACGAATTACTGGACTGTACTCAGAGGATG[A>G]CTCAGTTATACCAGAATCACAGAGTAGCCTTCTATTAGACCACCTTATCATCCATTCCAG-3'
Protein context (NP_001371661.1, residues 1757-1777): RLLCDSGITE[Ser1767Pro]SSEYSPVIRV

ClinVar aggregate classification (germline): Uncertain significance (1 of 4 stars; one submission).

Allele frequency attached by ClinVar (database versions not stated): gnomAD exomes below 0.00001.
gnomAD v4.1: 2 of 1,608,826 alleles (0.00012%); highest among the groups gnomAD compares: Non-Finnish European, 0.00017%; no homozygotes.

Submission:

Labcorp Genetics (formerly Invitae), Labcorp
Classification: Uncertain significance. Last evaluated: 2022-05-27. Review status: criteria provided, single submitter. Criteria: Invitae Variant Classification Sherloc (09022015). Collection method: clinical testing. Allele origin: germline.
Comment: This sequence change replaces serine, which is neutral and polar, with proline, which is neutral and non-polar, at codon 1767 of the CPLANE1 protein (p.Ser1767Pro). In summary, the available evidence is currently insufficient to determine the role of this variant in disease. Therefore, it has been classified as a Variant of Uncertain Significance. Advanced modeling of protein sequence and biophysical properties (such as structural, functional, and spatial information, amino acid conservation, physicochemical variation, residue mobility, and thermodynamic stability) performed at Invitae indicates that this missense variant is not expected to disrupt CPLANE1 protein function. This variant has not been reported in the literature in individuals affected with CPLANE1-related conditions. This variant is not present in population databases (gnomAD no frequency).